The following is an entry in ClinVar:

ClinVar aggregate classification (germline): Uncertain significance (1 of 4 stars; one submission).

Submission:

GeneDx
Classification: Uncertain significance. Last evaluated: 2025-07-30. Review status: criteria provided, single submitter. Criteria: GeneDx Variant Classification Process June 2021. Collection method: clinical testing. Allele origin: germline. Affected: yes.
Comment: Not observed at significant frequency in large population cohorts (gnomAD); In silico analysis suggests that this missense variant does not alter protein structure/function; Has not been previously published as pathogenic or benign to our knowledge

NM_001129.5(AEBP1):c.740T>C (p.Phe247Ser)

Gene: AEBP1 (AE binding protein 1; plus strand). Cytogenetic location: 7p13.
Variant type: single nucleotide variant.
Coding change: c.740T>C on transcript NM_001129.5 (MANE Select); coding-DNA position 740, T replaced by C.
Protein change: p.Phe247Ser; replaces phenylalanine 247 with serine.
Molecular consequence: missense variant.
Genome position (GRCh38, 1-based): chr7:44,107,809, T>C. VCF-style: chr7-44107809-T-C. GRCh37 (hg19) VCF-style: chr7-44147408-T-C.
Other names: short protein forms F247S.
Identifiers: ClinVar variation 4690136 (VCV004690136.1).